The following is an entry in ClinVar:

ClinVar aggregate classification (germline): Benign/Likely benign. Review status: criteria provided, multiple submitters, no conflicts (2 of 4 stars). 4 submissions from 4 submitters: Benign (1); Likely benign (3). Last evaluated 2026-09-23.

Conditions:
Cardiovascular phenotype. Identifiers: MedGen CN230736.
Hereditary cancer-predisposing syndrome. Also called: Hereditary neoplastic syndrome; Neoplastic Syndromes, Hereditary; Tumor predisposition; Hereditary Cancer Syndrome. Identifiers: Orphanet 140162, MedGen C0027672, MeSH D009386, MONDO:0015356.
Neurofibromatosis, type 1 (NF1). Also called: Neurofibromatosis, type I; Peripheral type neurofibromatosis; VON RECKLINGHAUSEN DISEASE; NEUROFIBROMATOSIS, TYPE I, SOMATIC. Identifiers: Orphanet 636, MedGen C0027831, MONDO:0018975, OMIM 162200. Disease mechanism: loss of function.

Submissions (4):

Myriad Genetics, Inc.
Classification: Benign for Neurofibromatosis, type 1. Last evaluated: 2026-09-23. Review status: criteria provided, single submitter. Criteria: Myriad Autosomal Dominant, Autosomal Recessive and X-Linked Classification Criteria (2023). Collection method: clinical testing. Allele origin: unknown.
Comment: This variant is considered benign. This variant is a silent/synonymous amino acid change and it is not expected to impact splicing.

Labcorp Genetics (formerly Invitae), Labcorp
Classification: Likely benign for Neurofibromatosis, type 1. Last evaluated: 2025-07-31. Review status: criteria provided, single submitter. Criteria: Invitae Variant Classification Sherloc (09022015). Collection method: clinical testing. Allele origin: germline.

Genome-Nilou Lab
Classification: Likely benign for Neurofibromatosis, type 1. Last evaluated: 2022-03-15. Review status: criteria provided, single submitter. Criteria: ACMG Guidelines, 2015. Collection method: clinical testing. Allele origin: germline. Affected: no.

Ambry Genetics
Classification: Likely benign for Cardiovascular phenotype; Hereditary cancer-predisposing syndrome. Last evaluated: 2018-05-14. Review status: criteria provided, single submitter. Criteria: Ambry Variant Classification Scheme 2023. Collection method: clinical testing. Allele origin: germline.

NM_001042492.3(NF1):c.5073G>A (p.Lys1691=)

Gene: NF1 (neurofibromin 1; plus strand). Cytogenetic location: 17q11.2.
Variant type: single nucleotide variant.
Coding change: c.5073G>A on transcript NM_001042492.3 (MANE Select); coding-DNA position 5073, G replaced by A.
Protein change: p.Lys1691=; no amino-acid change (lysine 1691 retained).
Molecular consequence: synonymous variant.
Genome position (GRCh38, 1-based): chr17:31,326,057, G>A. VCF-style: chr17-31326057-G-A. GRCh37 (hg19) VCF-style: chr17-29653075-G-A.
Other names: c.5010G>A, p.Lys1670= (NM_000267.4).
Identifiers: ClinVar variation 715140 (VCV000715140.15), dbSNP rs1597829953, ClinGen allele CA499233092.